The following is an entry in ClinVar:

ClinVar aggregate classification (germline): Conflicting classifications of pathogenicity. Review status: criteria provided, conflicting classifications (1 of 4 stars). 4 submissions from 4 submitters: Uncertain significance (3); Likely benign (1). Last evaluated 2024-10-31.

Allele frequency attached by ClinVar (database versions not stated): TOPMed 0.00017; ExAC 0.00021.
gnomAD v4.1: 341 of 1,548,058 alleles (0.022%); highest among the groups gnomAD compares: South Asian, 0.065%; no homozygotes.

Submissions (4):

GeneDx
Classification: Uncertain significance. Last evaluated: 2024-10-31. Review status: criteria provided, single submitter. Criteria: GeneDx Variant Classification Process June 2021. Collection method: clinical testing. Allele origin: germline. Affected: yes.
Comment: In silico analysis indicates that this missense variant does not alter protein structure/function; Has not been previously published as pathogenic or benign to our knowledge

Labcorp Genetics (formerly Invitae), Labcorp
Classification: Uncertain significance. Last evaluated: 2024-10-25. Review status: criteria provided, single submitter. Criteria: Invitae Variant Classification Sherloc (09022015). Collection method: clinical testing. Allele origin: germline.
Comment: This sequence change replaces arginine, which is basic and polar, with histidine, which is basic and polar, at codon 2691 of the OTOG protein (p.Arg2691His). This variant is present in population databases (rs766229978, gnomAD 0.07%). This variant has not been reported in the literature in individuals affected with OTOG-related conditions. ClinVar contains an entry for this variant (Variation ID: 227805). An algorithm developed to predict the effect of missense changes on protein structure and function outputs the following: PolyPhen-2: "Possibly Damaging". The histidine amino acid residue is found in multiple mammalian species, which suggests that this missense change does not adversely affect protein function. In summary, the available evidence is currently insufficient to determine the role of this variant in disease. Therefore, it has been classified as a Variant of Uncertain Significance.

CeGaT Center for Human Genetics Tuebingen
Classification: Uncertain significance. Last evaluated: 2023-08-01. Review status: criteria provided, single submitter. Criteria: CeGaT Center For Human Genetics Tuebingen Variant Classification Criteria Version 2. Collection method: clinical testing. Allele origin: germline. Affected: yes. Observed: 1 variant allele.
Comment: OTOG: PM2, BP4

Laboratory for Molecular Medicine, Mass General Brigham Personalized Medicine
Classification: Likely benign. Last evaluated: 2015-11-03. Review status: criteria provided, single submitter. Criteria: LMM Criteria. Collection method: clinical testing. Allele origin: germline. Observed: 1 variant allele.
Comment: p.Arg2691His in exon 50 of OTOG: This variant is not expected to have clinical s ignificance due to a lack of conservation across species, including mammals. Of note, 5 mammals have a histidine (His) at this position despite high nearby amin o acid sequence conservation. In addition, computational prediction tools do not suggest a high likelihood of impact to the protein. It has been identified in 3 /7578 South Asian chromosomes by the Exome Aggregation Consortium (ExAC; dbSNP rs766229978).

NM_001292063.2(OTOG):c.8036G>A (p.Arg2679His)

Gene: OTOG (otogelin; plus strand). Cytogenetic location: 11p15.1.
Variant type: single nucleotide variant.
Coding change: c.8036G>A on transcript NM_001292063.2 (MANE Select); coding-DNA position 8036, G replaced by A.
Protein change: p.Arg2679His; replaces arginine 2679 with histidine.
Molecular consequence: missense variant.
Genome position (GRCh38, 1-based): chr11:17,640,937, G>A. VCF-style: chr11-17640937-G-A. GRCh37 (hg19) VCF-style: chr11-17662484-G-A.
Other names: c.8072G>A, p.Arg2691His (NM_001277269.2); short protein forms R2691H, R2679H.
Identifiers: ClinVar variation 227805 (VCV000227805.38), dbSNP rs766229978, ClinGen allele CA5906221.
Genomic context (GRCh38, chr11:17,640,937, plus strand): 5'-TCTGGATGACTGTTGCCGCCCTGCATGCCCATCCAGTGAAGGCCCCGGTGTGTCTGAGCC[G>A]CGAGCTGGGTGTGATGCAGCCCGGCCAGACAGTGGTGGAGCTCTCAGCAGATGGCGTGTG-3'
Protein context (NP_001278992.1, residues 2669-2689): ECVKAPVCLS[Arg2679His]ELGVMQPGQT